The following is an entry in ClinVar:

NM_000138.5(FBN1):c.1838-80G>T

Gene: FBN1 (fibrillin 1; minus strand). Cytogenetic location: 15q21.1.
Variant type: single nucleotide variant.
Coding change: c.1838-80G>T on transcript NM_000138.5 (MANE Select); 80 bases into the intron before coding-DNA position 1838, G replaced by T.
Molecular consequence: intron variant.
Genome position (GRCh38, 1-based): chr15:48,505,227, C>A on the plus strand (G>T on the coding strand, the complement: FBN1 is on the minus strand). VCF-style: chr15-48505227-C-A. GRCh37 (hg19) VCF-style: chr15-48797424-C-A.
Identifiers: ClinVar variation 1250206 (VCV001250206.5), dbSNP rs8037304, ClinGen allele CA14186721.

ClinVar aggregate classification (germline): Benign. Review status: criteria provided, multiple submitters, no conflicts (2 of 4 stars). 3 submissions from 3 submitters: Benign (3). Last evaluated 2024-01-24.

Allele frequency attached by ClinVar (database versions not stated): gnomAD 0.22714 and 0.23046; TOPMed 0.23634; 1000 Genomes Project 0.27077; 1000 Genomes Project 30x 0.27655.
gnomAD v4.1: 258,561 of 1,552,050 alleles (17%); highest among the groups gnomAD compares: African/African-American, 39%; 25,805 homozygotes.

Submissions (3):

Unidad de Genómica Garrahan, Hospital de Pediatría Garrahan
Classification: Benign. Last evaluated: 2024-01-24. Review status: criteria provided, single submitter. Criteria: ACMG Guidelines, 2015. Collection method: clinical testing. Allele origin: germline. Affected: no. Observed: 24 variant alleles.
Comment: This variant is classified as Benign based on local population frequency. This variant was detected in 27% of patients studied by a panel of primary immunodeficiencies. Number of patients: 24. Only high quality variants are reported.

GeneDx
Classification: Benign. Last evaluated: 2015-03-03. Review status: criteria provided, single submitter. Criteria: GeneDx Variant Classification Process June 2021. Collection method: clinical testing. Allele origin: germline. Affected: yes.

Breakthrough Genomics
Classification: Benign. Review status: criteria provided, single submitter. Criteria: ACMG Guidelines, 2015. Collection method: not provided. Allele origin: germline. Inheritance: Autosomal dominant inheritance. Affected: yes.